The following is an entry in ClinVar:

NM_133372.3(FNIP1):c.1609T>C (p.Tyr537His)

Gene: FNIP1 (folliculin interacting protein 1; minus strand). Cytogenetic location: 5q31.1.
Variant type: single nucleotide variant.
Coding change: c.1609T>C on transcript NM_133372.3 (MANE Select); coding-DNA position 1609, T replaced by C.
Protein change: p.Tyr537His; replaces tyrosine 537 with histidine.
Molecular consequence: missense variant.
Genome position (GRCh38, 1-based): chr5:131,672,835, A>G on the plus strand (T>C on the coding strand, the complement: FNIP1 is on the minus strand). VCF-style: chr5-131672835-A-G. GRCh37 (hg19) VCF-style: chr5-131008528-A-G.
Other names: c.1525T>C, p.Tyr509His (NM_001008738.3); c.1474T>C, p.Tyr492His (NM_001346114.2); short protein forms Y509H, Y537H, Y492H.
Identifiers: ClinVar variation 2131466 (VCV002131466.4), dbSNP rs2532128554, ClinGen allele CA360793958.

ClinVar aggregate classification (germline): Uncertain significance (1 of 4 stars; one submission).

Submission:

Labcorp Genetics (formerly Invitae), Labcorp
Classification: Uncertain significance. Last evaluated: 2022-06-25. Review status: criteria provided, single submitter. Criteria: Invitae Variant Classification Sherloc (09022015). Collection method: clinical testing. Allele origin: germline.
Comment: In summary, the available evidence is currently insufficient to determine the role of this variant in disease. Therefore, it has been classified as a Variant of Uncertain Significance. Algorithms developed to predict the effect of missense changes on protein structure and function are either unavailable or do not agree on the potential impact of this missense change (SIFT: "Tolerated"; PolyPhen-2: "Probably Damaging"; Align-GVGD: "Class C0"). This variant has not been reported in the literature in individuals affected with FNIP1-related conditions. This variant is not present in population databases (gnomAD no frequency). This sequence change replaces tyrosine, which is neutral and polar, with histidine, which is basic and polar, at codon 537 of the FNIP1 protein (p.Tyr537His).